The following is an entry in ClinVar:

ClinVar aggregate classification (germline): Uncertain significance (1 of 4 stars; one submission).

Conditions:
EHHADH-related disorder. Also called: EHHADH-related condition.

gnomAD v4.1: 1 of 1,613,902 alleles (0.000062%); highest among the groups gnomAD compares: African/African-American, 0.0013%; no homozygotes.

Submission:

PreventionGenetics, part of Exact Sciences
Classification: Uncertain significance for EHHADH-related condition. Last evaluated: 2025-01-27. Review status: criteria provided, single submitter. Criteria: ACMG Guidelines, 2015. Collection method: clinical testing. Allele origin: germline.
Comment: The EHHADH c.1043C>G variant is predicted to result in the amino acid substitution p.Ala348Gly. To our knowledge, this variant has not been reported in the literature or in a large population database (gnomAD), indicating this variant is rare. At this time, the clinical significance of this variant is uncertain due to the absence of conclusive functional and genetic evidence.

NM_001966.4(EHHADH):c.1043C>G (p.Ala348Gly)

Gene: EHHADH (enoyl-CoA hydratase and 3-hydroxyacyl CoA dehydrogenase; minus strand). Cytogenetic location: 3q27.2.
Variant type: single nucleotide variant.
Coding change: c.1043C>G on transcript NM_001966.4 (MANE Select); coding-DNA position 1043, C replaced by G.
Protein change: p.Ala348Gly; replaces alanine 348 with glycine.
Molecular consequence: missense variant.
Genome position (GRCh38, 1-based): chr3:185,193,355, G>C on the plus strand (C>G on the coding strand, the complement: EHHADH is on the minus strand). VCF-style: chr3-185193355-G-C. GRCh37 (hg19) VCF-style: chr3-184911143-G-C.
Other names: c.755C>G, p.Ala252Gly (NM_001166415.2); short protein forms A348G, A252G.
Identifiers: ClinVar variation 5000420 (VCV005000420.1).